The following is an entry in ClinVar:

ClinVar aggregate classification (germline): Uncertain significance. Review status: criteria provided, multiple submitters, no conflicts (2 of 4 stars). 2 submissions from 2 submitters: Uncertain significance (2). Last evaluated 2024-01-19.

Allele frequency attached by ClinVar (database versions not stated): gnomAD exomes below 0.00001; gnomAD 0.00002; TOPMed 0.00002.
gnomAD v4.1: 9 of 1,613,566 alleles (0.00056%); highest among the groups gnomAD compares: African/African-American, 0.004%; no homozygotes.

Submissions (2):

Labcorp Genetics (formerly Invitae), Labcorp
Classification: Uncertain significance. Last evaluated: 2024-01-19. Review status: criteria provided, single submitter. Criteria: Invitae Variant Classification Sherloc (09022015). Collection method: clinical testing. Allele origin: germline.
Comment: This sequence change replaces phenylalanine, which is neutral and non-polar, with serine, which is neutral and polar, at codon 618 of the SLC44A4 protein (p.Phe618Ser). This variant is present in population databases (rs548136081, gnomAD 0.06%). This variant has not been reported in the literature in individuals affected with SLC44A4-related conditions. ClinVar contains an entry for this variant (Variation ID: 2322814). Advanced modeling of protein sequence and biophysical properties (such as structural, functional, and spatial information, amino acid conservation, physicochemical variation, residue mobility, and thermodynamic stability) performed at Invitae indicates that this missense variant is expected to disrupt SLC44A4 protein function with a positive predictive value of 80%. In summary, the available evidence is currently insufficient to determine the role of this variant in disease. Therefore, it has been classified as a Variant of Uncertain Significance.

Ambry Genetics
Classification: Uncertain significance. Last evaluated: 2022-11-07. Review status: criteria provided, single submitter. Criteria: Ambry Variant Classification Scheme 2023. Collection method: clinical testing. Allele origin: germline.

NM_025257.3(SLC44A4):c.1853T>C (p.Phe618Ser)

Gene: SLC44A4 (solute carrier family 44 member 4; minus strand). Cytogenetic location: 6p21.33.
Variant type: single nucleotide variant.
Coding change: c.1853T>C on transcript NM_025257.3 (MANE Select); coding-DNA position 1853, T replaced by C.
Protein change: p.Phe618Ser; replaces phenylalanine 618 with serine.
Molecular consequence: missense variant.
Genome position (GRCh38, 1-based): chr6:31,864,889, A>G on the plus strand (T>C on the coding strand, the complement: SLC44A4 is on the minus strand). VCF-style: chr6-31864889-A-G. GRCh37 (hg19) VCF-style: chr6-31832666-A-G.
Other names: c.1727T>C, p.Phe576Ser (NM_001178044.2); c.1625T>C, p.Phe542Ser (NM_001178045.2); c.1853T>C, p.Phe618Ser (NM_032794.1); short protein forms F542S, F618S, F576S.
Identifiers: ClinVar variation 2322814 (VCV002322814.4), dbSNP rs548136081, ClinGen allele CA136929702.